The following is an entry in ClinVar:

ClinVar aggregate classification (germline): Conflicting classifications of pathogenicity. Review status: criteria provided, conflicting classifications (1 of 4 stars). 2 submissions from 2 submitters: Uncertain significance (1); Likely benign (1). Last evaluated 2025-08-01.

Conditions:
Baller-Gerold syndrome (BGS). Also called: CRANIOSYNOSTOSIS WITH RADIAL DEFECTS. Identifiers: Orphanet 1225, MedGen C0265308, MONDO:0009039, OMIM 218600.
Inborn genetic diseases. Identifiers: MedGen C0950123, MeSH D030342.

Allele frequency attached by ClinVar (database versions not stated): TOPMed 0.00001; ExAC 0.00003.
gnomAD v4.1: 2 of 1,573,648 alleles (0.00013%); highest among the groups gnomAD compares: East Asian, 0.0046%; no homozygotes.

Submissions (2):

Ambry Genetics
Classification: Likely benign for Inborn genetic diseases. Last evaluated: 2025-08-01. Review status: criteria provided, single submitter. Criteria: Ambry Variant Classification Scheme 2023. Collection method: clinical testing. Allele origin: germline.

Labcorp Genetics (formerly Invitae), Labcorp
Classification: Uncertain significance for Baller-Gerold syndrome. Last evaluated: 2022-10-01. Review status: criteria provided, single submitter. Criteria: Invitae Variant Classification Sherloc (09022015). Collection method: clinical testing. Allele origin: germline.
Comment: In summary, the available evidence is currently insufficient to determine the role of this variant in disease. Therefore, it has been classified as a Variant of Uncertain Significance. Algorithms developed to predict the effect of missense changes on protein structure and function output the following: SIFT: "Not Available"; PolyPhen-2: "Not Available"; Align-GVGD: "Not Available". The valine amino acid residue is found in multiple mammalian species, which suggests that this missense change does not adversely affect protein function. ClinVar contains an entry for this variant (Variation ID: 954528). This variant has not been reported in the literature in individuals affected with RECQL4-related conditions. This variant is present in population databases (rs768035751, gnomAD 0.01%). This sequence change replaces alanine, which is neutral and non-polar, with valine, which is neutral and non-polar, at codon 69 of the RECQL4 protein (p.Ala69Val).

NM_004260.4(RECQL4):c.206C>T (p.Ala69Val)

Gene: RECQL4 (RecQ like helicase 4; minus strand). Cytogenetic location: 8q24.3.
Variant type: single nucleotide variant.
Coding change: c.206C>T on transcript NM_004260.4 (MANE Select); coding-DNA position 206, C replaced by T.
Protein change: p.Ala69Val; replaces alanine 69 with valine.
Molecular consequence: missense variant.
Genome position (GRCh38, 1-based): chr8:144,517,421, G>A on the plus strand (C>T on the coding strand, the complement: RECQL4 is on the minus strand). VCF-style: chr8-144517421-G-A. GRCh37 (hg19) VCF-style: chr8-145742805-G-A.
Other names: short protein forms A69V.
Identifiers: ClinVar variation 954528 (VCV000954528.7), dbSNP rs768035751, ClinGen allele CA4949460.